The following is an entry in ClinVar:

NM_000080.4(CHRNE):c.*868G>T

Genes: CHRNE (cholinergic receptor nicotinic epsilon subunit; minus strand), MINK1 (misshapen like kinase 1; plus strand). Cytogenetic location: 17p13.2.
Variant type: single nucleotide variant.
Coding change: c.*868G>T on transcript NM_000080.4 (MANE Select); 868 bases downstream of the stop codon, G replaced by T.
Molecular consequence: 3 prime UTR variant.
Genome position (GRCh38, 1-based): chr17:4,897,868, C>A on the plus strand (G>T on the coding strand, the complement: CHRNE is on the minus strand). VCF-style: chr17-4897868-C-A. GRCh37 (hg19) VCF-style: chr17-4801163-C-A.
Other names: c.*581C>A (NM_001024937.4, NM_001321236.2, NM_015716.5 and 2 more transcripts).
Identifiers: ClinVar variation 323948 (VCV000323948.6), dbSNP rs7774, ClinGen allele CA10646072.
Genomic context (GRCh38, chr17:4,897,868, plus strand): 5'-ACTCCAGGGAATGGAGGGGGGACCCCGCCAGCCAAAACATTCCCCCCATTCCCGACCCCC[C>A]TCTCCTCTTCTAGCCCATGCCCTTCCCCGGTGGAGGGAGGGAGCAGGGAGCCCTCACTCT-3'

ClinVar aggregate classification (germline): Benign. Review status: criteria provided, multiple submitters, no conflicts (2 of 4 stars). 2 submissions from 2 submitters: Benign (2). Last evaluated 2018-01-12.

Conditions:
Congenital myasthenic syndrome (CMS). Also called: Congenital Myasthenic Syndromes. Identifiers: Orphanet 590, MedGen C0751882, MeSH D020294, MONDO:0018940.

Allele frequency attached by ClinVar (database versions not stated): gnomAD exomes 0.31852; gnomAD 0.36651; 1000 Genomes Project 0.47883.
gnomAD v4.1: 55,398 of 149,182 alleles (37%); highest among the groups gnomAD compares: South Asian, 58%; 10,488 homozygotes.

Submissions (2):

Illumina Laboratory Services, Illumina
Classification: Benign for Congenital myasthenic syndrome. Last evaluated: 2018-01-12. Review status: criteria provided, single submitter. Criteria: ICSL Variant Classification Criteria 13 December 2019. Collection method: clinical testing. Allele origin: germline.
Comment: This variant was observed in the ICSL laboratory as part of a predisposition screen in an ostensibly healthy population. It had not been previously curated by ICSL or reported in the Human Gene Mutation Database (HGMD: prior to June 1st, 2018), and was therefore a candidate for classification through an automated scoring system. Utilizing variant allele frequency, disease prevalence and penetrance estimates, and inheritance mode, an automated score was calculated to assess if this variant is too frequent to cause the disease. Based on the score and internal cut-off values, a variant classified as benign is not then subjected to further curation. The score for this variant resulted in a classification of benign for this disease.

Breakthrough Genomics
Classification: Benign. Review status: criteria provided, single submitter. Criteria: ACMG Guidelines, 2015. Collection method: not provided. Allele origin: germline. Inheritance: Autosomal recessive inheritance. Affected: yes.